The following is an entry in ClinVar:

ClinVar aggregate classification (germline): Uncertain significance. Review status: criteria provided, multiple submitters, no conflicts (2 of 4 stars). 3 submissions from 3 submitters: Uncertain significance (3). Last evaluated 2025-01-10.

Conditions:
Inborn genetic diseases. Identifiers: MedGen C0950123, MeSH D030342.

gnomAD v4.1: 67 of 1,543,744 alleles (0.0043%); highest among the groups gnomAD compares: Non-Finnish European, 0.0055%; no homozygotes.

Submissions (3):

Ambry Genetics
Classification: Uncertain significance for Inborn genetic diseases. Last evaluated: 2025-01-10. Review status: criteria provided, single submitter. Criteria: Ambry Variant Classification Scheme 2023. Collection method: clinical testing. Allele origin: germline.

Blueprint Genetics
Classification: Uncertain significance. Last evaluated: 2024-09-05. Review status: criteria provided, single submitter. Criteria: ACMG Guidelines, 2015. Collection method: clinical testing. Allele origin: germline.

GeneDx
Classification: Uncertain significance. Last evaluated: 2024-06-06. Review status: criteria provided, single submitter. Criteria: GeneDx Variant Classification Process June 2021. Collection method: clinical testing. Allele origin: germline. Affected: yes.
Comment: In silico analysis supports that this missense variant has a deleterious effect on protein structure/function; Has not been previously published as pathogenic or benign to our knowledge

NM_031475.3(ESPN):c.791G>A (p.Gly264Glu)

Gene: ESPN (espin; plus strand). Cytogenetic location: 1p36.31.
Variant type: single nucleotide variant.
Coding change: c.791G>A on transcript NM_031475.3 (MANE Select); coding-DNA position 791, G replaced by A.
Protein change: p.Gly264Glu; replaces glycine 264 with glutamic acid.
Molecular consequence: missense variant.
Genome position (GRCh38, 1-based): chr1:6,440,741, G>A. VCF-style: chr1-6440741-G-A. GRCh37 (hg19) VCF-style: chr1-6500801-G-A.
Other names: c.791G>A, p.Gly264Glu (NM_001367473.1, NM_001367474.1); short protein forms G264E.
Identifiers: ClinVar variation 3384596 (VCV003384596.3).
Genomic context (GRCh38, chr1:6,440,741, plus strand): 5'-TGCACTTCGCGGCGAGCCGCGGCCACACCAAGGTGCTCAGCTGGCTGCTGCTGCACGGCG[G>A]GGAGATCTCGGCTGACCTGTGGGGCGGGACCCCGCTGCACGACGCCGCCGAGAACGGGGA-3'
Protein context (NP_113663.2, residues 254-274): KVLSWLLLHG[Gly264Glu]EISADLWGGT